The following is an entry in ClinVar:

NM_001145319.2(PLS1):c.609C>A (p.Ala203=)

Gene: PLS1 (plastin 1; plus strand). Cytogenetic location: 3q23.
Variant type: single nucleotide variant.
Coding change: c.609C>A on transcript NM_001145319.2 (MANE Select); coding-DNA position 609, C replaced by A.
Protein change: p.Ala203=; no amino-acid change (alanine 203 retained).
Molecular consequence: synonymous variant.
Genome position (GRCh38, 1-based): chr3:142,684,035, C>A. VCF-style: chr3-142684035-C-A. GRCh37 (hg19) VCF-style: chr3-142402877-C-A.
Other names: c.609C>A, p.Ala203= (NM_001172312.2, NM_002670.3).
Identifiers: ClinVar variation 4981153 (VCV004981153.1).
Genomic context (GRCh38, chr3:142,684,035, plus strand): 5'-CTCATGTGTACTTTTTTTTTTGGCAATTCAGGAAAATTTAAACCTAGCTCTGAATTCTGC[C>A]TCAGCCATTGGTTGTACAGTGGTCAACATTGGTGCATCAGATCTCAAAGAAGGAAAACCT-3'
Protein context (NP_001138791.1, residues 193-213): SENLNLALNS[Ala203=]SAIGCTVVNI

ClinVar aggregate classification (germline): Likely benign (1 of 4 stars; one submission).

Conditions:
PLS1-related disorder. Also called: PLS1-related condition.

Submission:

PreventionGenetics, part of Exact Sciences
Classification: Likely benign for PLS1-related condition. Last evaluated: 2026-02-20. Review status: criteria provided, single submitter. Criteria: ACMG Guidelines, 2015. Collection method: clinical testing. Allele origin: germline.
Comment: This variant is classified as likely benign based on ACMG/AMP sequence variant interpretation guidelines (Richards et al. 2015 PMID: 25741868, with internal and published modifications).